The following is an entry in ClinVar:

NM_030957.4(ADAMTS10):c.2284G>A (p.Gly762Arg)

Gene: ADAMTS10 (ADAM metallopeptidase with thrombospondin type 1 motif 10; minus strand). Cytogenetic location: 19p13.2.
Variant type: single nucleotide variant.
Coding change: c.2284G>A on transcript NM_030957.4 (MANE Select); coding-DNA position 2284, G replaced by A.
Protein change: p.Gly762Arg; replaces glycine 762 with arginine.
Molecular consequence: missense variant.
Genome position (GRCh38, 1-based): chr19:8,586,677, C>T on the plus strand (G>A on the coding strand, the complement: ADAMTS10 is on the minus strand). VCF-style: chr19-8586677-C-T. GRCh37 (hg19) VCF-style: chr19-8651561-C-T.
Other names: c.745G>A, p.Gly249Arg (NM_001282352.2); short protein forms G249R, G762R.
Identifiers: ClinVar variation 2319846 (VCV002319846.4), dbSNP rs1274311248, ClinGen allele CA403750113.

ClinVar aggregate classification (germline): Uncertain significance. Review status: criteria provided, multiple submitters, no conflicts (2 of 4 stars). 2 submissions from 2 submitters: Uncertain significance (2). Last evaluated 2023-08-04.

Conditions:
Inborn genetic diseases. Identifiers: MedGen C0950123, MeSH D030342.

Allele frequency attached by ClinVar (database versions not stated): gnomAD 0.00001; gnomAD exomes 0.00001; TOPMed 0.00002.

Submissions (2):

Labcorp Genetics (formerly Invitae), Labcorp
Classification: Uncertain significance. Last evaluated: 2023-08-04. Review status: criteria provided, single submitter. Criteria: Invitae Variant Classification Sherloc (09022015). Collection method: clinical testing. Allele origin: germline.
Comment: This sequence change replaces glycine, which is neutral and non-polar, with arginine, which is basic and polar, at codon 762 of the ADAMTS10 protein (p.Gly762Arg). In summary, the available evidence is currently insufficient to determine the role of this variant in disease. Therefore, it has been classified as a Variant of Uncertain Significance. Algorithms developed to predict the effect of missense changes on protein structure and function output the following: SIFT: "Not Available"; PolyPhen-2: "Benign"; Align-GVGD: "Not Available". The arginine amino acid residue is found in multiple mammalian species, which suggests that this missense change does not adversely affect protein function. ClinVar contains an entry for this variant (Variation ID: 2319846). This variant has not been reported in the literature in individuals affected with ADAMTS10-related conditions. This variant is present in population databases (no rsID available, gnomAD 0.003%).

Ambry Genetics
Classification: Uncertain significance for Inborn genetic diseases. Last evaluated: 2022-10-26. Review status: criteria provided, single submitter. Criteria: Ambry Variant Classification Scheme 2023. Collection method: clinical testing. Allele origin: germline.